The following is an entry in ClinVar:

NM_001042492.3(NF1):c.5444A>G (p.Gln1815Arg)

Gene: NF1 (neurofibromin 1; plus strand). Cytogenetic location: 17q11.2.
Variant type: single nucleotide variant.
Coding change: c.5444A>G on transcript NM_001042492.3 (MANE Select); coding-DNA position 5444, A replaced by G.
Protein change: p.Gln1815Arg; replaces glutamine 1815 with arginine.
Molecular consequence: missense variant.
Genome position (GRCh38, 1-based): chr17:31,327,674, A>G. VCF-style: chr17-31327674-A-G. GRCh37 (hg19) VCF-style: chr17-29654692-A-G.
Other names: c.5381A>G, p.Gln1794Arg (NM_000267.4); short protein forms Q1815R, Q1794R.
Identifiers: ClinVar variation 3634570 (VCV003634570.3).
Genomic context (GRCh38, chr17:31,327,674, plus strand): 5'-ATGAGAACCAGTTCACCTTAACCATTGCAAACCAGGGCACGCCGCTCACCTTCATGCACC[A>G]GGAGTGTGAAGCCATTGTCCAGTCTATCATTCATATCCGGACCCGCTGGGAACTGTCACA-3'
Protein context (NP_001035957.1, residues 1805-1825): NQGTPLTFMH[Gln1815Arg]ECEAIVQSII

ClinVar aggregate classification (germline): Uncertain significance. Review status: criteria provided, multiple submitters, no conflicts (2 of 4 stars). 2 submissions from 2 submitters: Uncertain significance (2). Last evaluated 2025-03-27.

Conditions:
Cardiovascular phenotype. Identifiers: MedGen CN230736.
Hereditary cancer-predisposing syndrome. Also called: Hereditary Cancer Syndrome; Hereditary neoplastic syndrome; Neoplastic Syndromes, Hereditary; Tumor predisposition. Identifiers: Orphanet 140162, MedGen C0027672, MeSH D009386, MONDO:0015356.
Neurofibromatosis, type 1 (NF1). Also called: VON RECKLINGHAUSEN DISEASE; Peripheral type neurofibromatosis; NEUROFIBROMATOSIS, TYPE I, SOMATIC; Neurofibromatosis, type I. Identifiers: Orphanet 636, MedGen C0027831, MONDO:0018975, OMIM 162200. Disease mechanism: loss of function.

Submissions (2):

Ambry Genetics
Classification: Uncertain significance for Cardiovascular phenotype; Hereditary cancer-predisposing syndrome. Last evaluated: 2025-03-27. Review status: criteria provided, single submitter. Criteria: Ambry Variant Classification Scheme 2023. Collection method: clinical testing. Allele origin: germline.
Comment: The p.Q1794R variant (also known as c.5381A>G), located in coding exon 37 of the NF1 gene, results from an A to G substitution at nucleotide position 5381. The glutamine at codon 1794 is replaced by arginine, an amino acid with highly similar properties. This amino acid position is conserved. In addition, this alteration is predicted to be deleterious by in silico analysis. Based on the available evidence, the clinical significance of this variant remains unclear.

Labcorp Genetics (formerly Invitae), Labcorp
Classification: Uncertain significance for Neurofibromatosis, type 1. Last evaluated: 2024-10-12. Review status: criteria provided, single submitter. Criteria: Invitae Variant Classification Sherloc (09022015). Collection method: clinical testing. Allele origin: germline.
Comment: This sequence change replaces glutamine, which is neutral and polar, with arginine, which is basic and polar, at codon 1794 of the NF1 protein (p.Gln1794Arg). This variant is not present in population databases (gnomAD no frequency). This variant has not been reported in the literature in individuals affected with NF1-related conditions. Invitae Evidence Modeling of protein sequence and biophysical properties (such as structural, functional, and spatial information, amino acid conservation, physicochemical variation, residue mobility, and thermodynamic stability) has been performed for this missense variant. However, the output from this modeling did not meet the statistical confidence thresholds required to predict the impact of this variant on NF1 protein function. In summary, the available evidence is currently insufficient to determine the role of this variant in disease. Therefore, it has been classified as a Variant of Uncertain Significance.